The following is an entry in ClinVar:

NM_006767.4(LZTR1):c.2303_2304insTT (p.Val768_Thr769insTer)

Gene: LZTR1 (leucine zipper like post translational regulator 1; plus strand). Cytogenetic location: 22q11.21.
Variant type: Insertion.
Coding change: c.2303_2304insTT on transcript NM_006767.4 (MANE Select); coding-DNA positions 2303 to 2304, TT inserted.
Protein change: p.Val768_Thr769insTer.
Molecular consequence: frameshift variant.
Genome position: GRCh38 VCF-style: chr22-20996778-G-GTT. GRCh37 (hg19) VCF-style: chr22-21351067-G-GTT.
Identifiers: ClinVar variation 4859334 (VCV004859334.1).

ClinVar aggregate classification (germline): Pathogenic (1 of 4 stars; one submission).

Conditions:
Cardiovascular phenotype. Identifiers: MedGen CN230736.
Hereditary cancer-predisposing syndrome. Also called: Neoplastic Syndromes, Hereditary; Tumor predisposition; Hereditary Cancer Syndrome; Hereditary neoplastic syndrome. Identifiers: Orphanet 140162, MedGen C0027672, MeSH D009386, MONDO:0015356.

Submission:

Ambry Genetics
Classification: Pathogenic for Cardiovascular phenotype; Hereditary cancer-predisposing syndrome. Last evaluated: 2026-03-25. Review status: criteria provided, single submitter. Criteria: Ambry Variant Classification Scheme 2023. Collection method: clinical testing. Allele origin: germline.
Comment: The c.2303_2304insTT pathogenic mutation, located in coding exon 19 of the LZTR1 gene, results from an insertion of two nucleotides at position 2303, causing a translational frameshift with a predicted alternate stop codon (p.T769*). This variant is considered to be rare based on population cohorts in the Genome Aggregation Database (gnomAD). This variant is expected to result in loss of function by premature protein truncation or nonsense-mediated mRNA decay. Loss-of-function variants in LZTR1 are related to an increased risk for schwannomas and autosomal recessive Noonan syndrome; however, such associations with autosomal dominant Noonan syndrome have not been observed (Piotrowski A et al. Nat Genet. 2014 Feb;46:182-7; Yamamoto GL et al. J Med Genet. 2015 Jun;52:413-21; Johnston JJ et al. Genet Med. 2018 10;20:1175-1185). Based on the supporting evidence, this variant is pathogenic for an increased risk of LZTR1-related schwannomatosis (SWN) and would be expected to cause autosomal recessive Noonan syndrome when present along with a second pathogenic or likely pathogenic variant on the other allele; however, the association of this variant with autosomal dominant Noonan syndrome is unlikely.